The following is an entry in ClinVar:

NM_000532.5(PCCB):c.991G>T (p.Glu331Ter)

Gene: PCCB (propionyl-CoA carboxylase subunit beta; plus strand). Cytogenetic location: 3q22.3.
Variant type: single nucleotide variant.
Coding change: c.991G>T on transcript NM_000532.5 (MANE Select); coding-DNA position 991, G replaced by T.
Protein change: p.Glu331Ter; replaces glutamic acid 331 with a stop codon.
Molecular consequence: nonsense.
Genome position (GRCh38, 1-based): chr3:136,316,965, G>T. VCF-style: chr3-136316965-G-T. GRCh37 (hg19) VCF-style: chr3-136035807-G-T.
Other names: c.991G>T (NM_000532.4); c.1051G>T, p.Glu351Ter (NM_001178014.2); short protein forms E351*, E331*.
Identifiers: ClinVar variation 1458710 (VCV001458710.10), dbSNP rs2108226567, ClinGen allele CA354647233.

ClinVar aggregate classification (germline): Pathogenic. Review status: criteria provided, multiple submitters, no conflicts (2 of 4 stars). 3 submissions from 3 submitters: Pathogenic (3). Last evaluated 2025-05-08.

Conditions:
Propionic acidemia (PROP). Also called: GLYCINEMIA, KETOTIC; HYPERGLYCINEMIA WITH KETOACIDOSIS AND LEUKOPENIA; KETOTIC HYPERGLYCINEMIA. Identifiers: Orphanet 35, MedGen C0268579, MONDO:0011628, OMIM 606054, HP:0003571.

Submissions (3):

Natera, Inc.
Classification: Pathogenic for Propionic acidemia. Last evaluated: 2025-05-08. Review status: criteria provided, single submitter. Criteria: Natera Variant Classification Schema (03/2026). Collection method: clinical testing. Allele origin: germline.
Comment: The c.991G>T variant in PCCB is a nonsense variant predicted to introduce a stop codon at amino acid 331. This variant is expected to result in nonsense mediated decay, truncation, or a dysfunctional protein product. This variant is rare in the general population with a frequency below the threshold expected for the associated phenotype(s). This variant has been observed in one or more individuals affected with the associated recessive disease, as either homozygous or compound heterozygous with a second variant (PMID: 12559849, 24059531). Given the available evidence, this variant is classified as Pathogenic.

Baylor Genetics
Classification: Pathogenic for Propionic acidemia. Last evaluated: 2023-09-06. Review status: criteria provided, single submitter. Criteria: ACMG Guidelines, 2015. Collection method: clinical testing. Allele origin: unknown.

Labcorp Genetics (formerly Invitae), Labcorp
Classification: Pathogenic for Propionic acidemia. Last evaluated: 2021-05-19. Review status: criteria provided, single submitter. Criteria: Invitae Variant Classification Sherloc (09022015). Collection method: clinical testing. Allele origin: germline.
Comment: For these reasons, this variant has been classified as Pathogenic. This variant has been observed in individual(s) with clinical features of propionic aciduria (PMID: 24059531). This variant is not present in population databases (ExAC no frequency). This sequence change creates a premature translational stop signal (p.Glu331*) in the PCCB gene. It is expected to result in an absent or disrupted protein product. Loss-of-function variants in PCCB are known to be pathogenic (PMID: 15464417).

Literature cited by the submitters: PubMed 12559849 (cited by Natera, Inc.); PubMed 24059531 (cited by Natera, Inc. and Labcorp Genetics (formerly Invitae), Labcorp); PubMed 15464417 (cited by Labcorp Genetics (formerly Invitae), Labcorp).